The following is an entry in ClinVar:

ClinVar aggregate classification (germline): Pathogenic. Review status: reviewed by expert panel (3 of 4 stars). 3 submissions from 3 submitters: Pathogenic (1). 2 of the submissions do not count toward it. Last evaluated 2026-01-12.

Conditions:
Open-angle glaucoma. Identifiers: MedGen C0017612, MONDO:0005338, HP:0012108.
Glaucoma 1, open angle, A (GLC1A). Also called: Glaucoma, Dominant (Juvenile Onset). Identifiers: Orphanet 98977, MedGen C1842028, MONDO:0007664, OMIM 137750.

gnomAD v4.1: 2 of 1,614,192 alleles (0.00012%); highest among the groups gnomAD compares: Non-Finnish European, 0.000085%; no homozygotes.

Submissions (3):

ClinGen Glaucoma Variant Curation Expert Panel
Classification: Pathogenic for Open-angle glaucoma. Last evaluated: 2026-01-12. Review status: reviewed by expert panel. Criteria: ClinGen Glaucoma ACMG Specifications V2.0.0 Approved. Collection method: curation. Allele origin: germline. Inheritance: Autosomal dominant inheritance.
Comment: The c.1440C>A variant in MYOC is a missense variant predicted to cause substitution of Asparagine by Lysine at amino acid 480 (p.Asn480Lys). The highest minor allele frequency of this variant was in the Remaining genetic ancestry group of gnomAD (v4.1.0) = 0.000016 (1 allele out of 62,510), which met the ≤ 0.0001 threshold set for PM2_Supporting in a genetic ancestry group of at least 10,000 alleles. The REVEL score = 0.784, which was within the 0.773-0.931 range for PP3_Moderate, predicting a damaging effect on MYOC function. The Asn480Lys protein had increased insolubility and reduced secretion levels compared to wild type myocilin protein in these studies (PMIDs:16466712 and 35196929). The assays met the OddsPath threshold for PS3_Moderate (> 4.3), indicating that this variant did impact protein function. This protein has also been assessed in these other studies (PMIDs: 10545602, 16297911), however, the same level of evidence was not met. Over 100 segregations in 9 families, with juvenile or primary open angle glaucoma (JOAG or POAG), have been reported (PMIDs: 12107514, 24883016, 9556305, 36220364), which fulfilled PP1_Strong (≥ 7 meioses in > 1 family). 14 probands with JOAG or POAG have been reported carrying this variant (PMIDs: 22194650, 12872267, 12107514, 24883016, 9556305, 36220364, pers. comm. E Souzeau,), which met PS4_Moderate (≥ 6 probands). The same amino acid change (p.Asn480Lys), resulting from a different nucleotide change (c.1440C>G, ClinVarID: 1686785), was classified as pathogenic for JOAG (without the application of PS1) by the ClinGen Glaucoma VCEP and was not predicted to affect splicing, as assessed with SpliceAI (≤ 0.2), meeting the conditions for PS1 to apply. In summary, this variant met the criteria to receive a score of 15 and to be classified as pathogenic (pathogenic classification ≥ 10, adapted from PMID: 32720330) for juvenile open angle glaucoma based on the ACMG/AMP criteria met, as specified by the ClinGen Glaucoma VCEP (v2.0.0, 5 Dec 2024): PS1, PP1_Strong, PS3_Moderate, PS4_Moderate, PP3_Moderate, PM2_Supporting

Labcorp Genetics (formerly Invitae), Labcorp
Classification: Pathogenic. Last evaluated: 2024-05-18. Review status: criteria provided, single submitter. Criteria: Invitae Variant Classification Sherloc (09022015). Collection method: clinical testing. Allele origin: germline. Not counted in ClinVar's aggregate classification.
Comment: This sequence change replaces asparagine, which is neutral and polar, with lysine, which is basic and polar, at codon 480 of the MYOC protein (p.Asn480Lys). This variant is not present in population databases (gnomAD no frequency). This missense change has been observed in individual(s) with primary open angle glaucoma (PMID: 9328473, 22194650, 24883016). It has also been observed to segregate with disease in related individuals. ClinVar contains an entry for this variant (Variation ID: 7951). An algorithm developed to predict the effect of missense changes on protein structure and function (PolyPhen-2) suggests that this variant is likely to be disruptive. Experimental studies have shown that this missense change affects MYOC function (PMID: 16466712). For these reasons, this variant has been classified as Pathogenic.

OMIM
Classification: Pathogenic for GLAUCOMA 1, OPEN ANGLE, A. Last evaluated: 1998-04-13. Review status: no assertion criteria provided. Collection method: literature only. Allele origin: germline. Not counted in ClinVar's aggregate classification.

Literature cited by the submitters: PubMed 9328473 (cited by Labcorp Genetics (formerly Invitae), Labcorp and OMIM); PubMed 22194650 (cited by Labcorp Genetics (formerly Invitae), Labcorp); PubMed 24883016 (cited by Labcorp Genetics (formerly Invitae), Labcorp); PubMed 16466712 (cited by Labcorp Genetics (formerly Invitae), Labcorp); PubMed 9556305 (cited by OMIM).

NM_000261.2(MYOC):c.1440C>A (p.Asn480Lys)

Gene: MYOC (myocilin; minus strand). Cytogenetic location: 1q24.3.
Variant type: single nucleotide variant.
Coding change: c.1440C>A on transcript NM_000261.2 (MANE Select); coding-DNA position 1440, C replaced by A.
Protein change: p.Asn480Lys; replaces asparagine 480 with lysine.
Molecular consequence: missense variant.
Genome position (GRCh38, 1-based): chr1:171,636,000, G>T on the plus strand (C>A on the coding strand, the complement: MYOC is on the minus strand). VCF-style: chr1-171636000-G-T. GRCh37 (hg19) VCF-style: chr1-171605140-G-T.
Other names: NM_000261.2(MYOC):c.1440C>A; short protein forms N480K.
Identifiers: ClinVar variation 7951 (VCV000007951.6), dbSNP rs74315332, ClinGen allele CA119175.
Genomic context (GRCh38, chr1:171,636,000, plus strand): 5'-CTTGATGTCATAAGTGACCATGTTCAAGTTGTCCCAGGCAAAGAGCTTCTTCTCCAGGGG[G>T]TTGTAGTCAATCATGCTGCTGTACTTATAGCGGTTCTTGAATGGGATGGTCAGGGTCTTG-3'
Protein context (NP_000252.1, residues 470-490): RYKYSSMIDY[Asn480Lys]PLEKKLFAWD